The following is an entry in ClinVar:

NM_002473.6(MYH9):c.3248A>T (p.Glu1083Val)

Gene: MYH9 (myosin heavy chain 9; minus strand). Cytogenetic location: 22q12.3.
Variant type: single nucleotide variant.
Coding change: c.3248A>T on transcript NM_002473.6 (MANE Select); coding-DNA position 3248, A replaced by T.
Protein change: p.Glu1083Val; replaces glutamic acid 1083 with valine.
Molecular consequence: missense variant.
Genome position (GRCh38, 1-based): chr22:36,296,867, T>A on the plus strand (A>T on the coding strand, the complement: MYH9 is on the minus strand). VCF-style: chr22-36296867-T-A. GRCh37 (hg19) VCF-style: chr22-36692913-T-A.
Other names: short protein forms E1083V.
Identifiers: ClinVar variation 1810076 (VCV001810076.1), dbSNP rs2146339758, ClinGen allele CA411389285.

ClinVar aggregate classification (germline): Uncertain significance (1 of 4 stars; one submission).

Submission:

GeneDx
Classification: Uncertain significance. Last evaluated: 2022-06-29. Review status: criteria provided, single submitter. Criteria: GeneDx Variant Classification Process June 2021. Collection method: clinical testing. Allele origin: germline. Affected: yes.
Comment: Not observed at significant frequency in large population cohorts (gnomAD); In silico analysis supports that this missense variant has a deleterious effect on protein structure/function; Has not been previously published as pathogenic or benign to our knowledge